The following is an entry in ClinVar:

NM_025179.4(PLXNA2):c.3345C>A (p.Arg1115=)

Gene: PLXNA2 (plexin A2; minus strand). Cytogenetic location: 1q32.2.
Variant type: single nucleotide variant.
Coding change: c.3345C>A on transcript NM_025179.4 (MANE Select); coding-DNA position 3345, C replaced by A.
Protein change: p.Arg1115=; no amino-acid change (arginine 1115 retained).
Molecular consequence: synonymous variant.
Genome position (GRCh38, 1-based): chr1:208,046,028, G>T on the plus strand (C>A on the coding strand, the complement: PLXNA2 is on the minus strand). VCF-style: chr1-208046028-G-T. GRCh37 (hg19) VCF-style: chr1-208219373-G-T.
Identifiers: ClinVar variation 3348286 (VCV003348286.1).

ClinVar aggregate classification (germline): Likely benign (0 of 4 stars; one submission).

Conditions:
PLXNA2-related disorder. Also called: PLXNA2-related condition.

gnomAD v4.1: 2 of 1,614,124 alleles (0.00012%); highest among the groups gnomAD compares: Non-Finnish European, 0.00017%; no homozygotes.

Submission:

PreventionGenetics, part of Exact Sciences
Classification: Likely benign for PLXNA2-related condition. Last evaluated: 2023-12-14. Review status: no assertion criteria provided. Collection method: clinical testing. Allele origin: germline.
Comment: This variant is classified as likely benign based on ACMG/AMP sequence variant interpretation guidelines (Richards et al. 2015 PMID: 25741868, with internal and published modifications).